The following is an entry in ClinVar:

ClinVar aggregate classification (germline): Pathogenic (1 of 4 stars; one submission).

Submission:

Labcorp Genetics (formerly Invitae), Labcorp
Classification: Pathogenic. Last evaluated: 2023-02-05. Review status: criteria provided, single submitter. Criteria: Invitae Variant Classification Sherloc (09022015). Collection method: clinical testing. Allele origin: germline.
Comment: For these reasons, this variant has been classified as Pathogenic. This sequence change creates a premature translational stop signal (p.Gln692*) in the DUOX2 gene. It is expected to result in an absent or disrupted protein product. Loss-of-function variants in DUOX2 are known to be pathogenic (PMID: 12110737, 18765513, 21565790, 24423310, 24735383). This variant is not present in population databases (gnomAD no frequency). This variant has not been reported in the literature in individuals affected with DUOX2-related conditions.

Literature cited by the submitters: PubMed 12110737; PubMed 18765513; PubMed 21565790; PubMed 24423310; PubMed 24735383.

NM_001363711.2(DUOX2):c.2074C>T (p.Gln692Ter)

Gene: DUOX2 (dual oxidase 2; minus strand). Cytogenetic location: 15q21.1.
Variant type: single nucleotide variant.
Coding change: c.2074C>T on transcript NM_001363711.2 (MANE Select); coding-DNA position 2074, C replaced by T.
Protein change: p.Gln692Ter; replaces glutamine 692 with a stop codon.
Molecular consequence: nonsense.
Genome position (GRCh38, 1-based): chr15:45,106,199, G>A on the plus strand (C>T on the coding strand, the complement: DUOX2 is on the minus strand). VCF-style: chr15-45106199-G-A. GRCh37 (hg19) VCF-style: chr15-45398397-G-A.
Other names: c.2074C>T, p.Gln692Ter (NM_014080.5); short protein forms Q692*.
Identifiers: ClinVar variation 2834721 (VCV002834721.3), dbSNP rs2504766330, ClinGen allele CA392272949.